The following is an entry in ClinVar:

NC_000022.11:g.40346371G>T

Gene: ADSL (adenylosuccinate lyase; plus strand). Cytogenetic location: 22q13.1.
Variant type: single nucleotide variant.
Genome position: GRCh38 VCF-style: chr22-40346371-G-T. GRCh37 (hg19) VCF-style: chr22-40742375-G-T.
Identifiers: ClinVar variation 1484634 (VCV001484634.6), dbSNP rs777987980, ClinGen allele CA2573158353.

ClinVar aggregate classification (germline): Uncertain significance (1 of 4 stars; one submission).

Conditions:
Adenylosuccinate lyase deficiency (ADSLD). Also called: ADSL DEFICIENCY. Identifiers: Orphanet 46, MedGen C0268126, MONDO:0007068, OMIM 103050.

Submission:

Labcorp Genetics (formerly Invitae), Labcorp
Classification: Uncertain significance for Adenylosuccinate lyase deficiency. Last evaluated: 2021-08-19. Review status: criteria provided, single submitter. Criteria: Invitae Variant Classification Sherloc (09022015). Collection method: clinical testing. Allele origin: germline.
Comment: Experimental studies and prediction algorithms are not available or were not evaluated, and the functional significance of this variant is currently unknown. In summary, the available evidence is currently insufficient to determine the role of this variant in disease. Therefore, it has been classified as a Variant of Uncertain Significance. This variant has not been reported in the literature in individuals affected with ADSL-related conditions. The frequency data for this variant in the population databases is considered unreliable, as metrics indicate insufficient coverage at this position in the ExAC database. This variant occurs in a non-coding region of the ADSL gene. It does not change the encoded amino acid sequence of the ADSL protein.